The following is an entry in ClinVar:

NM_003383.5(VLDLR):c.325+1del

Gene: VLDLR (very low density lipoprotein receptor; plus strand). Cytogenetic location: 9p24.2.
Variant type: Deletion.
Coding change: c.325+1del on transcript NM_003383.5 (MANE Select); the canonical splice donor site of the intron after coding-DNA position 325, one base deleted (G; older notation c.325+1delG).
Molecular consequence: splice donor variant.
Genome position (GRCh38, 1-based): chr9:2,639,982, G deleted. VCF-style (leftmost placement, unchanged base first): chr9-2639981-CG-C. GRCh37 (hg19) VCF-style: chr9-2639981-CG-C.
Other names: c.325+1del (NM_001018056.3, NM_001322225.2, NM_001322226.2).
Identifiers: ClinVar variation 2444129 (VCV002444129.1), dbSNP rs2488718618, ClinGen allele CA2580080194.

ClinVar aggregate classification (germline): Likely pathogenic (1 of 4 stars; one submission).

Conditions:
Cerebellar ataxia, impaired intellectual development, and dysequilibrium syndrome 1. Also called: VLDLR Cerebellar Hypoplasia; Cerebellar hypoplasia and mental retardation with or without quadrupedal locomotion 1; CEREBELLAR ATAXIA AND MENTAL RETARDATION WITH OR WITHOUT QUADRUPEDAL LOCOMOTION 1; CEREBELLAR ATAXIA, CONGENITAL, AND MENTAL RETARDATION, AUTOSOMAL RECESSIVE; Cerebellar ataxia, intellectual disability, and dysequilibrium syndrome 1; Cerebellar ataxia, mental retardation, and dysequilibrium syndrome 1. Identifiers: Orphanet 1766, MedGen C4551552, MONDO:0024542, OMIM 224050.

Submission:

3billion
Classification: Likely pathogenic for Cerebellar ataxia, impaired intellectual development, and dysequilibrium syndrome 1. Last evaluated: 2023-02-23. Review status: criteria provided, single submitter. Criteria: ACMG Guidelines, 2015. Collection method: clinical testing. Allele origin: unknown. Affected: yes.
Comment: The variant is not observed in the gnomAD v2.1.1 dataset. This variant was predicted to alter splicing and result in a loss or disruption of normal protein function. Multiple pathogenic loss-of-function variants are reported downstream of the variant. Therefore, this variant is classified as Likely pathogenic according to the recommendation of ACMG/AMP guideline.